The following is an entry in ClinVar:

ClinVar aggregate classification (germline): Uncertain significance. Review status: criteria provided, multiple submitters, no conflicts (2 of 4 stars). 3 submissions from 3 submitters: Uncertain significance (3). Last evaluated 2025-12-18.

Conditions:
TRIM63-related disorder. Also called: TRIM63-related condition.
Inborn genetic diseases. Identifiers: MedGen C0950123, MeSH D030342.

Allele frequency attached by ClinVar (database versions not stated): ExAC 0.00006; ESP Exome Variant Server 0.00008; gnomAD 0.00014; TOPMed 0.00017; gnomAD exomes 0.00025.

Submissions (3):

PreventionGenetics, part of Exact Sciences
Classification: Uncertain significance for TRIM63-related condition. Last evaluated: 2025-12-18. Review status: criteria provided, single submitter. Criteria: ACMG Guidelines, 2015. Collection method: clinical testing. Allele origin: germline.
Comment: The TRIM63 c.688C>T variant is predicted to result in the amino acid substitution p.Arg230Trp. To our knowledge, this variant has not been reported in the literature. This variant is reported in 0.019% of alleles in individuals of European (Non-Finnish) descent in gnomAD. At this time, the clinical significance of this variant is uncertain due to the absence of conclusive functional and genetic evidence.

Mayo Clinic Laboratories, Mayo Clinic
Classification: Uncertain significance. Last evaluated: 2024-12-26. Review status: criteria provided, single submitter. Criteria: ACMG Guidelines, 2015. Collection method: clinical testing. Allele origin: germline. Observed: 1 variant allele.
Comment: BP4

Ambry Genetics
Classification: Uncertain significance for Inborn genetic diseases. Last evaluated: 2023-12-27. Review status: criteria provided, single submitter. Criteria: Ambry Variant Classification Scheme 2023. Collection method: clinical testing. Allele origin: germline.

NM_032588.4(TRIM63):c.688C>T (p.Arg230Trp)

Gene: TRIM63 (tripartite motif containing 63; minus strand). Cytogenetic location: 1p36.11.
Variant type: single nucleotide variant.
Coding change: c.688C>T on transcript NM_032588.4 (MANE Select); coding-DNA position 688, C replaced by T.
Protein change: p.Arg230Trp; replaces arginine 230 with tryptophan.
Molecular consequence: missense variant.
Genome position (GRCh38, 1-based): chr1:26,058,533, G>A on the plus strand (C>T on the coding strand, the complement: TRIM63 is on the minus strand). VCF-style: chr1-26058533-G-A. GRCh37 (hg19) VCF-style: chr1-26385024-G-A.
Other names: p.Arg230Trp; short protein forms R230W.
Identifiers: ClinVar variation 2247024 (VCV002247024.4), dbSNP rs368646276, ClinGen allele CA699572.